The following is an entry in ClinVar:

ClinVar aggregate classification (germline): Uncertain significance (1 of 4 stars; one submission).

Allele frequency attached by ClinVar (database versions not stated): TOPMed 0.00001.
gnomAD v4.1: 3 of 1,548,774 alleles (0.00019%); highest among the groups gnomAD compares: African/African-American, 0.0041%; no homozygotes.

Submission:

Labcorp Genetics (formerly Invitae), Labcorp
Classification: Uncertain significance. Last evaluated: 2022-03-03. Review status: criteria provided, single submitter. Criteria: Invitae Variant Classification Sherloc (09022015). Collection method: clinical testing. Allele origin: germline.
Comment: In summary, the available evidence is currently insufficient to determine the role of this variant in disease. Therefore, it has been classified as a Variant of Uncertain Significance. Algorithms developed to predict the effect of missense changes on protein structure and function (SIFT, PolyPhen-2, Align-GVGD) all suggest that this variant is likely to be tolerated. ClinVar contains an entry for this variant (Variation ID: 952104). This variant has not been reported in the literature in individuals affected with EYS-related conditions. This variant is present in population databases (no rsID available, gnomAD 0.01%). This sequence change replaces glutamine, which is neutral and polar, with glutamic acid, which is acidic and polar, at codon 770 of the EYS protein (p.Gln770Glu).

NM_001142800.2(EYS):c.2308C>G (p.Gln770Glu)

Gene: EYS (eyes shut homolog; minus strand). Cytogenetic location: 6q12.
Variant type: single nucleotide variant.
Coding change: c.2308C>G on transcript NM_001142800.2 (MANE Select); coding-DNA position 2308, C replaced by G.
Protein change: p.Gln770Glu; replaces glutamine 770 with glutamic acid.
Molecular consequence: missense variant.
Genome position (GRCh38, 1-based): chr6:64,945,866, G>C on the plus strand (C>G on the coding strand, the complement: EYS is on the minus strand). VCF-style: chr6-64945866-G-C. GRCh37 (hg19) VCF-style: chr6-65655759-G-C.
Other names: c.2308C>G, p.Gln770Glu (NM_001292009.2); short protein forms Q770E.
Identifiers: ClinVar variation 952104 (VCV000952104.7), dbSNP rs992863438, ClinGen allele CA140384341.